The following is an entry in ClinVar:

NM_198491.3(CIBAR2):c.713C>G (p.Thr238Ser)

Gene: CIBAR2 (CBY1 interacting BAR domain containing 2; minus strand). Cytogenetic location: 16q24.1.
Variant type: single nucleotide variant.
Coding change: c.713C>G on transcript NM_198491.3 (MANE Select); coding-DNA position 713, C replaced by G.
Protein change: p.Thr238Ser; replaces threonine 238 with serine.
Molecular consequence: missense variant.
Genome position (GRCh38, 1-based): chr16:85,100,179, G>C on the plus strand (C>G on the coding strand, the complement: CIBAR2 is on the minus strand). VCF-style: chr16-85100179-G-C. GRCh37 (hg19) VCF-style: chr16-85133785-G-C.
Other names: c.713C>G, p.Thr238Ser (NM_001366920.1); short protein forms T238S.
Identifiers: ClinVar variation 3038426 (VCV003038426.2), dbSNP rs148969047, ClinGen allele CA8213375.
Genomic context (GRCh38, chr16:85,100,179, plus strand): 5'-TCACCCACCCACACGCTCACCTGGCTGGCGAGAGACTGAAGAACAGATGGAGGGGGGCTG[G>C]TGTTGGCAAGCAGCCGAGTGTCATAATGCCCATAAACTCCTTGCATCTTGGCTCTAAAAT-3'
Protein context (NP_940893.1, residues 228-248): GHYDTRLLAN[Thr238Ser]SPPPSVLQSL

ClinVar aggregate classification (germline): Benign (0 of 4 stars; one submission).

Conditions:
CIBAR2-related disorder. Also called: CIBAR2-related condition.

Allele frequency attached by ClinVar (database versions not stated): gnomAD exomes 0.00077; ExAC 0.00281; 1000 Genomes Project 0.00719; 1000 Genomes Project 30x 0.00765; gnomAD 0.00809; ESP Exome Variant Server 0.01070.

Submission:

PreventionGenetics, part of Exact Sciences
Classification: Benign for CIBAR2-related condition. Last evaluated: 2021-02-01. Review status: no assertion criteria provided. Collection method: clinical testing. Allele origin: germline.
Comment: This variant is classified as benign based on ACMG/AMP sequence variant interpretation guidelines (Richards et al. 2015 PMID: 25741868, with internal and published modifications).